The following is an entry in ClinVar:

NM_003482.4(KMT2D):c.13147C>A (p.Leu4383Ile)

Gene: KMT2D (lysine methyltransferase 2D; minus strand). Cytogenetic location: 12q13.12.
Variant type: single nucleotide variant.
Coding change: c.13147C>A on transcript NM_003482.4 (MANE Select); coding-DNA position 13147, C replaced by A.
Protein change: p.Leu4383Ile; replaces leucine 4383 with isoleucine.
Molecular consequence: missense variant.
Genome position (GRCh38, 1-based): chr12:49,031,558, G>T on the plus strand (C>A on the coding strand, the complement: KMT2D is on the minus strand). VCF-style: chr12-49031558-G-T. GRCh37 (hg19) VCF-style: chr12-49425341-G-T.
Other names: short protein forms L4383I.
Identifiers: ClinVar variation 4082462 (VCV004082462.4).

ClinVar aggregate classification (germline): Uncertain significance. Review status: criteria provided, multiple submitters, no conflicts (2 of 4 stars). 3 submissions from 3 submitters: Uncertain significance (3). Last evaluated 2025-08-20.

Conditions:
Kabuki syndrome. Also called: NIIKAWA-KUROKI SYNDROME; Kabuki make-up syndrome. Identifiers: Orphanet 2322, MedGen C0796004, MONDO:0016512.
Inborn genetic diseases. Identifiers: MedGen C0950123, MeSH D030342.

Submissions (3):

Ambry Genetics
Classification: Uncertain significance for Inborn genetic diseases. Last evaluated: 2025-08-20. Review status: criteria provided, single submitter. Criteria: Ambry Variant Classification Scheme 2023. Collection method: clinical testing. Allele origin: germline.

Labcorp Genetics (formerly Invitae), Labcorp
Classification: Uncertain significance for Kabuki syndrome. Last evaluated: 2025-03-30. Review status: criteria provided, single submitter. Criteria: Invitae Variant Classification Sherloc (09022015). Collection method: clinical testing. Allele origin: germline.
Comment: This sequence change replaces leucine, which is neutral and non-polar, with isoleucine, which is neutral and non-polar, at codon 4383 of the KMT2D protein (p.Leu4383Ile). This variant is not present in population databases (gnomAD no frequency). This variant has not been reported in the literature in individuals affected with KMT2D-related conditions. Invitae Evidence Modeling of protein sequence and biophysical properties (such as structural, functional, and spatial information, amino acid conservation, physicochemical variation, residue mobility, and thermodynamic stability) indicates that this missense variant is not expected to disrupt KMT2D protein function with a negative predictive value of 95%. In summary, the available evidence is currently insufficient to determine the role of this variant in disease. Therefore, it has been classified as a Variant of Uncertain Significance.

Genetic Services Laboratory, University of Chicago
Classification: Uncertain significance. Last evaluated: 2023-05-12. Review status: criteria provided, single submitter. Criteria: ACMG Guidelines, 2015. Collection method: clinical testing. Allele origin: germline. Affected: no.
Comment: DNA sequence analysis of the KMT2D gene demonstrated a sequence change, c.13147C>A, in exon 39 that results in an amino acid change, p.Leu4383Ile. This sequence change does not appear to have been previously described in individuals with KMT2D-related disorders and has also not been described in population databases such as ExAC and gnomAD. The p.Leu4383Ile change affects a poorly conserved amino acid residue located in a domain of the KMT2D protein that is not known to be functional. The p.Leu4383Ile substitution appears to be benign using several in-silico pathogenicity prediction tools (SIFT, PolyPhen2, Align GVGD, REVEL). Due to insufficient evidence and the lack of functional studies, the clinical significance of the p.Leu4383Ile change remains unknown at this time.